The following is an entry in ClinVar:

ClinVar aggregate classification (germline): Uncertain significance. Review status: criteria provided, multiple submitters, no conflicts (2 of 4 stars). 2 submissions from 2 submitters: Uncertain significance (2). Last evaluated 2023-03-21.

Conditions:
Hereditary cancer-predisposing syndrome. Also called: Neoplastic Syndromes, Hereditary; Hereditary Cancer Syndrome; Hereditary neoplastic syndrome; Tumor predisposition. Identifiers: Orphanet 140162, MedGen C0027672, MeSH D009386, MONDO:0015356.
Mitochondrial complex II deficiency, nuclear type 1. Also called: SUCCINATE CoQ REDUCTASE DEFICIENCY. Identifiers: Orphanet 3208, MedGen C5700310, MONDO:0100294, OMIM 252011.
Pheochromocytoma/paraganglioma syndrome 5. Also called: Paragangliomas 5; SDHA-Related Hereditary Paraganglioma-Pheochromocytoma Syndrome. Identifiers: Orphanet 29072, MedGen C3279992, MONDO:0013602, OMIM 614165.

Allele frequency attached by ClinVar (database versions not stated): gnomAD exomes below 0.00001.

Submissions (2):

Ambry Genetics
Classification: Uncertain significance for Hereditary cancer-predisposing syndrome. Last evaluated: 2023-03-21. Review status: criteria provided, single submitter. Criteria: Ambry Variant Classification Scheme 2023. Collection method: clinical testing. Allele origin: germline.
Comment: The p.N113D variant (also known as c.337A>G), located in coding exon 4 of the SDHA gene, results from an A to G substitution at nucleotide position 337. The asparagine at codon 113 is replaced by aspartic acid, an amino acid with highly similar properties. This amino acid position is conserved. In addition, the in silico prediction for this alteration is inconclusive. Since supporting evidence is limited at this time, the clinical significance of this alteration remains unclear.

Labcorp Genetics (formerly Invitae), Labcorp
Classification: Uncertain significance for Pheochromocytoma/paraganglioma syndrome 5; Mitochondrial complex II deficiency, nuclear type 1. Last evaluated: 2022-12-16. Review status: criteria provided, single submitter. Criteria: Invitae Variant Classification Sherloc (09022015). Collection method: clinical testing. Allele origin: germline.
Comment: In summary, the available evidence is currently insufficient to determine the role of this variant in disease. Therefore, it has been classified as a Variant of Uncertain Significance. Advanced modeling of protein sequence and biophysical properties (such as structural, functional, and spatial information, amino acid conservation, physicochemical variation, residue mobility, and thermodynamic stability) performed at Invitae indicates that this missense variant is not expected to disrupt SDHA protein function. ClinVar contains an entry for this variant (Variation ID: 1468912). This variant has not been reported in the literature in individuals affected with SDHA-related conditions. This variant is present in population databases (no rsID available, gnomAD 0.003%). This sequence change replaces asparagine, which is neutral and polar, with aspartic acid, which is acidic and polar, at codon 113 of the SDHA protein (p.Asn113Asp).

NM_004168.4(SDHA):c.337A>G (p.Asn113Asp)

Gene: SDHA (succinate dehydrogenase complex flavoprotein subunit A; plus strand). Cytogenetic location: 5p15.33.
Variant type: single nucleotide variant.
Coding change: c.337A>G on transcript NM_004168.4 (MANE Select); coding-DNA position 337, A replaced by G.
Protein change: p.Asn113Asp; replaces asparagine 113 with aspartic acid.
Molecular consequence: missense variant. On other transcripts: intron variant (1).
Genome position (GRCh38, 1-based): chr5:225,443, A>G. VCF-style: chr5-225443-A-G. GRCh37 (hg19) VCF-style: chr5-225558-A-G.
Other names: c.337A>G (NM_004168.2); c.337A>G, p.Asn113Asp (NM_001330758.2); c.313-440A>G (NM_001294332.2); short protein forms N113D.
Identifiers: ClinVar variation 1468912 (VCV001468912.8), dbSNP rs1450249875, ClinGen allele CA359009226.